The following is an entry in ClinVar:

NM_004370.6(COL12A1):c.4622A>G (p.Tyr1541Cys)

Gene: COL12A1 (collagen type XII alpha 1 chain; minus strand). Cytogenetic location: 6q13.
Variant type: single nucleotide variant.
Coding change: c.4622A>G on transcript NM_004370.6 (MANE Select); coding-DNA position 4622, A replaced by G.
Protein change: p.Tyr1541Cys; replaces tyrosine 1541 with cysteine.
Molecular consequence: missense variant.
Genome position (GRCh38, 1-based): chr6:75,145,394, T>C on the plus strand (A>G on the coding strand, the complement: COL12A1 is on the minus strand). VCF-style: chr6-75145394-T-C. GRCh37 (hg19) VCF-style: chr6-75855110-T-C.
Other names: c.4622A>G, p.Tyr1541Cys (NM_001424113.1, NM_001424114.1); c.4349A>G, p.Tyr1450Cys (NM_001424115.1); c.1130A>G, p.Tyr377Cys (NM_001424116.1, NM_080645.3); short protein forms Y1450C, Y1541C, Y377C.
Identifiers: ClinVar variation 3753489 (VCV003753489.2).

ClinVar aggregate classification (germline): Uncertain significance (1 of 4 stars; one submission).

Conditions:
Ullrich congenital muscular dystrophy 2 (UCMD2). Identifiers: Orphanet 75840, MedGen C4225314, MONDO:0014654, OMIM 616470.
Bethlem myopathy 2 (BTHLM2). Identifiers: Orphanet 536516, Orphanet 610, MedGen C4225313, MONDO:0034022, OMIM 616471.

gnomAD v4.1: 3 of 1,614,032 alleles (0.00019%); highest among the groups gnomAD compares: Non-Finnish European, 0.00025%; no homozygotes.

Submission:

Labcorp Genetics (formerly Invitae), Labcorp
Classification: Uncertain significance for Bethlem myopathy 2; Ullrich congenital muscular dystrophy 2. Last evaluated: 2024-06-13. Review status: criteria provided, single submitter. Criteria: Invitae Variant Classification Sherloc (09022015). Collection method: clinical testing. Allele origin: germline.
Comment: This sequence change replaces tyrosine, which is neutral and polar, with cysteine, which is neutral and slightly polar, at codon 1541 of the COL12A1 protein (p.Tyr1541Cys). This variant is not present in population databases (gnomAD no frequency). This variant has not been reported in the literature in individuals affected with COL12A1-related conditions. Advanced modeling of protein sequence and biophysical properties (such as structural, functional, and spatial information, amino acid conservation, physicochemical variation, residue mobility, and thermodynamic stability) has been performed at Invitae for this missense variant, however the output from this modeling did not meet the statistical confidence thresholds required to predict the impact of this variant on COL12A1 protein function. In summary, the available evidence is currently insufficient to determine the role of this variant in disease. Therefore, it has been classified as a Variant of Uncertain Significance.